The following is an entry in ClinVar:

NM_001126108.2(SLC12A3):c.1636A>G (p.Ser546Gly)

Gene: SLC12A3 (solute carrier family 12 member 3; plus strand). Cytogenetic location: 16q13.
Variant type: single nucleotide variant.
Coding change: c.1636A>G on transcript NM_001126108.2 (MANE Select); coding-DNA position 1636, A replaced by G.
Protein change: p.Ser546Gly; replaces serine 546 with glycine.
Molecular consequence: missense variant.
Genome position (GRCh38, 1-based): chr16:56,882,464, A>G. VCF-style: chr16-56882464-A-G. GRCh37 (hg19) VCF-style: chr16-56916376-A-G.
Other names: c.1636A>G, p.Ser546Gly (NM_000339.3); c.1633A>G, p.Ser545Gly (NM_001126107.2); short protein forms S545G, S546G.
Identifiers: ClinVar variation 988170 (VCV000988170.6), dbSNP rs1451284628, ClinGen allele CA395989204.

ClinVar aggregate classification (germline): Pathogenic. Review status: criteria provided, single submitter (1 of 4 stars). 2 submissions from 2 submitters: Pathogenic (1). 1 of the submissions does not count toward it. Last evaluated 2024-09-27.

Conditions:
Bartter syndrome. Identifiers: Orphanet 112, MedGen C0004775, MONDO:0015231.
Familial hypokalemia-hypomagnesemia (GTLMNS). Also called: POTASSIUM AND MAGNESIUM DEPLETION; HYPOMAGNESEMIA-HYPOKALEMIA, PRIMARY RENOTUBULAR, WITH HYPOCALCIURIA; gitelman syndrome. Identifiers: Orphanet 358, MedGen C0268450, MONDO:0009904, OMIM 263800.

Allele frequency attached by ClinVar (database versions not stated): gnomAD exomes below 0.00001.
gnomAD v4.1: 10 of 1,614,030 alleles (0.00062%); highest among the groups gnomAD compares: Non-Finnish European, 0.00042%; no homozygotes.

Submissions (2):

Labcorp Genetics (formerly Invitae), Labcorp
Classification: Pathogenic. Last evaluated: 2024-09-27. Review status: criteria provided, single submitter. Criteria: Invitae Variant Classification Sherloc (09022015). Collection method: clinical testing. Allele origin: germline.
Comment: This sequence change replaces serine, which is neutral and polar, with glycine, which is neutral and non-polar, at codon 546 of the SLC12A3 protein (p.Ser546Gly). This variant is not present in population databases (gnomAD no frequency). This missense change has been observed in individual(s) with Gitelman syndrome (PMID: 28125972). It has also been observed to segregate with disease in related individuals. ClinVar contains an entry for this variant (Variation ID: 988170). Invitae Evidence Modeling of protein sequence and biophysical properties (such as structural, functional, and spatial information, amino acid conservation, physicochemical variation, residue mobility, and thermodynamic stability) indicates that this missense variant is expected to disrupt SLC12A3 protein function with a positive predictive value of 95%. For these reasons, this variant has been classified as Pathogenic.

Sydney Genome Diagnostics, Children's Hospital Westmead
Classification: Likely pathogenic for Familial hypokalemia-hypomagnesemia; Bartter syndrome. Last evaluated: 2019-01-25. Review status: no assertion criteria provided. Collection method: clinical testing. Allele origin: unknown. Affected: yes. Observed: 1 variant allele, 1 heterozygote. Not counted in ClinVar's aggregate classification.
Comment: , which results in the amino acid substitution of serine to glycine at residue 546, p.(Ser546Gly). The variant has not been reported in any population databases (i.e. gnomAD, ExAC, ESP or dbSNP). p.Ser546Gly has been previously reported in a patient with Gitelman'ss syndrome, in compound heterozygosity with a second variant (Vargas-Poussou et al 2011 J Am Soc Nephrol 22:693-703). It has also been reported by van der Merwe et al 2017 (BMC Nephrology 18:38) in a family with Gitelman'ss syndrome also as compound heterozygous variant in trans with a second variant. The authors showed the variants segregated with disease in 4 affected and 1 unaffected individuals. In silico analysis of pathogenicity (through Alamut Visual v2.7.2) is inconclusive regarding this change; PolyPhen2 and SIFT predicts it to be likely benign whereas MutationTaster predicts this variant to be likely pathogenic. This variant is considered to be likely pathogenic according to the ACMG guidelines (evidence used PM2, PM3, PP1_moderate) .

Literature cited by the submitters: PubMed 28125972 (cited by Labcorp Genetics (formerly Invitae), Labcorp).